The following is an entry in ClinVar:

ClinVar aggregate classification (germline): Pathogenic. Review status: criteria provided, single submitter (1 of 4 stars). 2 submissions from 2 submitters: Pathogenic (1). 1 of the submissions does not count toward it. Last evaluated 2023-11-06.

Conditions:
Cholestanol storage disease (CTX). Also called: CEREBRAL CHOLESTERINOSIS; Cerebrotendinous Xanthomatosis; CTX: Cerebrotendinous xanthomatosis. Identifiers: Orphanet 909, MedGen C0238052, MONDO:0008948, OMIM 213700.

Submissions (2):

Labcorp Genetics (formerly Invitae), Labcorp
Classification: Pathogenic for Cholestanol storage disease. Last evaluated: 2023-11-06. Review status: criteria provided, single submitter. Criteria: Invitae Variant Classification Sherloc (09022015). Collection method: clinical testing. Allele origin: germline.
Comment: This sequence change affects an acceptor splice site in intron 6 of the CYP27A1 gene. It is expected to disrupt RNA splicing. Variants that disrupt the donor or acceptor splice site typically lead to a loss of protein function (PMID: 16199547), and loss-of-function variants in CYP27A1 are known to be pathogenic (PMID: 9392430, 10775536, 26937392). This variant is not present in population databases (gnomAD no frequency). Disruption of this splice site has been observed in individuals with cerebrotendinous xanthomatosis (PMID: 14741198, 25983621). ClinVar contains an entry for this variant (Variation ID: 551730). Algorithms developed to predict the effect of sequence changes on RNA splicing suggest that this variant may disrupt the consensus splice site. For these reasons, this variant has been classified as Pathogenic.

Counsyl
Classification: Likely pathogenic for Cholestanol storage disease. Last evaluated: 2017-05-15. Review status: no assertion criteria provided. Collection method: clinical testing. Allele origin: unknown. Not counted in ClinVar's aggregate classification.

Literature cited by the submitters: PubMed 16199547 (cited by Labcorp Genetics (formerly Invitae), Labcorp); PubMed 9392430 (cited by Labcorp Genetics (formerly Invitae), Labcorp); PubMed 10775536 (cited by Labcorp Genetics (formerly Invitae), Labcorp); PubMed 26937392 (cited by Labcorp Genetics (formerly Invitae), Labcorp); PubMed 14741198 (cited by Labcorp Genetics (formerly Invitae), Labcorp); PubMed 25983621 (cited by Labcorp Genetics (formerly Invitae), Labcorp).

NM_000784.4(CYP27A1):c.1185-2A>T

Gene: CYP27A1 (cytochrome P450 family 27 subfamily A member 1; plus strand). Cytogenetic location: 2q35.
Variant type: single nucleotide variant.
Coding change: c.1185-2A>T on transcript NM_000784.4 (MANE Select); the canonical splice acceptor site of the intron before coding-DNA position 1185, A replaced by T.
Molecular consequence: splice acceptor variant.
Genome position (GRCh38, 1-based): chr2:218,814,378, A>T. VCF-style: chr2-218814378-A-T. GRCh37 (hg19) VCF-style: chr2-219679101-A-T.
Identifiers: ClinVar variation 551730 (VCV000551730.5), dbSNP rs1553616457, ClinGen allele CA350592924.